The following is an entry in ClinVar:

ClinVar aggregate classification (germline): Uncertain significance (1 of 4 stars; one submission).

Allele frequency attached by ClinVar (database versions not stated): TOPMed below 0.00001; gnomAD exomes 0.00002; ExAC 0.00008.

Submission:

Labcorp Genetics (formerly Invitae), Labcorp
Classification: Uncertain significance. Last evaluated: 2022-03-02. Review status: criteria provided, single submitter. Criteria: Invitae Variant Classification Sherloc (09022015). Collection method: clinical testing. Allele origin: germline.
Comment: This sequence change replaces histidine, which is basic and polar, with tyrosine, which is neutral and polar, at codon 690 of the ZNF341 protein (p.His690Tyr). This variant is present in population databases (rs781197023, gnomAD 0.01%). This variant has not been reported in the literature in individuals affected with ZNF341-related conditions. Algorithms developed to predict the effect of missense changes on protein structure and function are either unavailable or do not agree on the potential impact of this missense change (SIFT: "Deleterious"; PolyPhen-2: "Benign"; Align-GVGD: "Class C0"). In summary, the available evidence is currently insufficient to determine the role of this variant in disease. Therefore, it has been classified as a Variant of Uncertain Significance.

NM_001282933.2(ZNF341):c.2089C>T (p.His697Tyr)

Genes: ZNF341 (zinc finger protein 341; plus strand), ZNF341-AS1 (ZNF341 antisense RNA 1; minus strand). Cytogenetic location: 20q11.22.
Variant type: single nucleotide variant.
Coding change: c.2089C>T on transcript NM_001282933.2 (MANE Select); coding-DNA position 2089, C replaced by T.
Protein change: p.His697Tyr; replaces histidine 697 with tyrosine.
Molecular consequence: missense variant. On other transcripts: non-coding transcript variant (1).
Genome position (GRCh38, 1-based): chr20:33,791,041, C>T. VCF-style: chr20-33791041-C-T. GRCh37 (hg19) VCF-style: chr20-32378847-C-T.
Other names: c.1819C>T, p.His607Tyr (NM_001282935.2); c.2068C>T, p.His690Tyr (NM_032819.5); short protein forms H697Y, H607Y, H690Y.
Identifiers: ClinVar variation 1946673 (VCV001946673.4), dbSNP rs781197023, ClinGen allele CA9819696.